The following is an entry in ClinVar:

NM_000384.3(APOB):c.8355C>T (p.Asn2785=)

Gene: APOB (apolipoprotein B; minus strand). Cytogenetic location: 2p24.1.
Variant type: single nucleotide variant.
Coding change: c.8355C>T on transcript NM_000384.3 (MANE Select); coding-DNA position 8355, C replaced by T.
Protein change: p.Asn2785=; no amino-acid change (asparagine 2785 retained).
Molecular consequence: synonymous variant.
Genome position (GRCh38, 1-based): chr2:21,008,513, G>A on the plus strand (C>T on the coding strand, the complement: APOB is on the minus strand). VCF-style: chr2-21008513-G-A. GRCh37 (hg19) VCF-style: chr2-21231385-G-A.
Identifiers: ClinVar variation 922581 (VCV000922581.54), dbSNP rs776502029, ClinGen allele CA065578.

ClinVar aggregate classification (germline): Likely benign. Review status: criteria provided, multiple submitters, no conflicts (2 of 4 stars). 3 submissions from 3 submitters: Likely benign (3). Last evaluated 2024-04-26.

Conditions:
Familial hypobetalipoproteinemia 1. Also called: Hypobetalipoproteinemia, normotriglyceridemic; Acanthocytosis with hypobetalipoproteinemia; APOB-Related Familial Hypobetalipoproteinemia. Identifiers: MedGen C4551990, MONDO:0014252, OMIM 615558.
Hypercholesterolemia, autosomal dominant, type B (FHCL2). Also called: Familial Hypercholesterolemia Type B; HYPERCHOLESTEROLEMIA, FAMILIAL, DUE TO LIGAND-DEFECTIVE APOLIPOPROTEIN B; Familial hypercholesterolemia 2; APOB-Related Familial Hypercholesterolemia, Autosomal Dominant; APOLIPOPROTEIN B-100, FAMILIAL DEFECTIVE; APOLIPOPROTEIN B-100, FAMILIAL LIGAND-DEFECTIVE. Identifiers: MedGen C1704417, MONDO:0007751, OMIM 144010.
Cardiovascular phenotype. Identifiers: MedGen CN230736.
Familial hypercholesterolemia. Also called: Familial hypercholesterolemias; Familial hypercholesterolaemia. Identifiers: MedGen C0020445, MONDO:0005439.

Allele frequency attached by ClinVar (database versions not stated): gnomAD exomes 0.00001; ExAC 0.00001; gnomAD 0.00001.
gnomAD v4.1: 10 of 1,614,022 alleles (0.00062%); highest among the groups gnomAD compares: Middle Eastern, 0.016%; no homozygotes.

Submissions (3):

Labcorp Genetics (formerly Invitae), Labcorp
Classification: Likely benign for Familial hypobetalipoproteinemia 1; Hypercholesterolemia, autosomal dominant, type B. Last evaluated: 2024-04-26. Review status: criteria provided, single submitter. Criteria: Invitae Variant Classification Sherloc (09022015). Collection method: clinical testing. Allele origin: germline.

GENinCode PLC
Classification: Likely benign for Familial hypercholesterolemia. Last evaluated: 2024-03-04. Review status: criteria provided, single submitter. Criteria: ACMG Guidelines, 2015. Collection method: clinical testing. Allele origin: germline.
Comment: This is a synonymous (silent) variant that is not predicted by SpliceAI to impact splicing. In addition, it occurs at a nucleotide that is not conserved. Therefore this variant has been classified as Likely Benign (BP4, BP7).

Ambry Genetics
Classification: Likely benign for Cardiovascular phenotype. Last evaluated: 2020-01-07. Review status: criteria provided, single submitter. Criteria: Ambry Variant Classification Scheme 2023. Collection method: clinical testing. Allele origin: germline.